The following is an entry in ClinVar:

NM_000540.3(RYR1):c.2094C>T (p.Gly698=)

Gene: RYR1 (ryanodine receptor 1; plus strand). Cytogenetic location: 19q13.2.
Variant type: single nucleotide variant.
Coding change: c.2094C>T on transcript NM_000540.3 (MANE Select); coding-DNA position 2094, C replaced by T.
Protein change: p.Gly698=; no amino-acid change (glycine 698 retained).
Molecular consequence: synonymous variant.
Genome position (GRCh38, 1-based): chr19:38,458,219, C>T. VCF-style: chr19-38458219-C-T. GRCh37 (hg19) VCF-style: chr19-38948859-C-T.
Other names: c.2094C>T, p.Gly698= (NM_001042723.2).
Identifiers: ClinVar variation 2147817 (VCV002147817.8), dbSNP rs149942213, ClinGen allele CA062824.

ClinVar aggregate classification (germline): Conflicting classifications of pathogenicity. Review status: criteria provided, conflicting classifications (1 of 4 stars). 4 submissions from 4 submitters: Uncertain significance (1); Likely benign (3). Last evaluated 2026-04-01.

Conditions:
RYR1-related disorder. Also called: RYR1-related disorders; RYR1-related condition. Identifiers: MedGen CN239331.
Inborn genetic diseases. Identifiers: MedGen C0950123, MeSH D030342.

Allele frequency attached by ClinVar (database versions not stated): gnomAD exomes below 0.00001; gnomAD 0.00001; ExAC 0.00002; 1000 Genomes Project 30x 0.00016; 1000 Genomes Project 0.00020.
gnomAD v4.1: 4 of 1,613,944 alleles (0.00025%); highest among the groups gnomAD compares: African/African-American, 0.0013%; no homozygotes.

Submissions (4):

CeGaT Center for Human Genetics Tuebingen
Classification: Likely benign. Last evaluated: 2026-04-01. Review status: criteria provided, single submitter. Criteria: CeGaT Center For Human Genetics Tuebingen Variant Classification Criteria Version 2. Collection method: clinical testing. Allele origin: germline. Affected: yes. Observed: 1 variant allele.
Comment: RYR1: BP4, BP7

Women's Health and Genetics/Laboratory Corporation of America, LabCorp
Classification: Uncertain significance. Last evaluated: 2025-06-23. Review status: criteria provided, single submitter. Criteria: LabCorp Variant Classification Summary - May 2015. Collection method: clinical testing. Allele origin: germline.
Comment: Variant summary: RYR1 c.2094C>T results in a synonymous change. Several computational tools predict a significant impact on normal splicing: Four predict the variant strengthens a 5' donor site. However, these predictions have yet to be confirmed by functional studies. The variant allele was found at a frequency of 1.2e-05 in 249606 control chromosomes. The available data on variant occurrences in the general population are insufficient to allow any conclusion about variant significance. c.2094C>T has been observed in individual(s) affected with central core disease, without strong evidence for causality (Amburgey_2013). This report does not provide unequivocal conclusions about association of the variant with Congenital Multicore Myopathy With External Ophthalmoplegia. To our knowledge, no experimental evidence demonstrating an impact on protein function has been reported. The following publication has been ascertained in the context of this evaluation (PMID: 23919265). ClinVar contains an entry for this variant (Variation ID: 2147817). Based on the evidence outlined above, the variant was classified as uncertain significance.

Ambry Genetics
Classification: Likely benign for Inborn genetic diseases. Last evaluated: 2025-04-07. Review status: criteria provided, single submitter. Criteria: Ambry Variant Classification Scheme 2023. Collection method: clinical testing. Allele origin: germline.

Labcorp Genetics (formerly Invitae), Labcorp
Classification: Likely benign for RYR1-related disorder. Last evaluated: 2024-03-21. Review status: criteria provided, single submitter. Criteria: Invitae Variant Classification Sherloc (09022015). Collection method: clinical testing. Allele origin: germline.

Literature cited by the submitters: PubMed 23919265 (cited by Women's Health and Genetics/Laboratory Corporation of America, LabCorp).